The following is an entry in ClinVar:

ClinVar aggregate classification (germline): Likely pathogenic (1 of 4 stars; one submission).

Conditions:
KIF5A-related disorder. Also called: KIF5A-related condition; KIF5A-related disorders.

Submission:

Greenwood Genetic Center Diagnostic Laboratories, Greenwood Genetic Center
Classification: Likely pathogenic for KIF5A-related disorder. Last evaluated: 2024-12-20. Review status: criteria provided, single submitter. Criteria: ACMG Guidelines, 2015. Collection method: clinical testing. Allele origin: germline. Affected: yes.
Comment: PVS1, PM2

NM_004984.4(KIF5A):c.2574del (p.Pro859fs)

Gene: KIF5A (kinesin family member 5A; plus strand). Cytogenetic location: 12q13.3.
Variant type: Deletion.
Coding change: c.2574del on transcript NM_004984.4 (MANE Select); coding-DNA position 2574, one base deleted (T; older notation c.2574delT).
Protein change: p.Pro859fs; shifts the reading frame from proline 859.
Molecular consequence: frameshift variant.
Genome position (GRCh38, 1-based): chr12:57,580,991, T deleted; the last of 2 consecutive T bases (chr12:57,580,990-57,580,991); deleting either gives the same sequence. VCF-style (leftmost placement, unchanged base first): chr12-57580989-CT-C. GRCh37 (hg19) VCF-style: chr12-57974772-CT-C.
Other names: c.2307del, p.Pro770fs (NM_001354705.2); short protein forms P770fs, P859fs.
Identifiers: ClinVar variation 3765843 (VCV003765843.1).